The following is an entry in ClinVar:

ClinVar aggregate classification (germline): Uncertain significance (1 of 4 stars; one submission).

Conditions:
Inborn genetic diseases. Identifiers: MedGen C0950123, MeSH D030342.

Submission:

Ambry Genetics
Classification: Uncertain significance for Inborn genetic diseases. Last evaluated: 2025-03-20. Review status: criteria provided, single submitter. Criteria: Ambry Variant Classification Scheme 2023. Collection method: clinical testing. Allele origin: germline.
Comment: The p.P321T variant (also known as c.961C>A), located in coding exon 6 of the G6PC3 gene, results from a C to A substitution at nucleotide position 961. The proline at codon 321 is replaced by threonine, an amino acid with highly similar properties. This amino acid position is conserved. In addition, this alteration is predicted to be deleterious by in silico analysis. Based on the available evidence, the clinical significance of this variant remains unclear.

NM_138387.4(G6PC3):c.961C>A (p.Pro321Thr)

Gene: G6PC3 (glucose-6-phosphatase catalytic subunit 3; plus strand). Cytogenetic location: 17q21.31.
Variant type: single nucleotide variant.
Coding change: c.961C>A on transcript NM_138387.4 (MANE Select); coding-DNA position 961, C replaced by A.
Protein change: p.Pro321Thr; replaces proline 321 with threonine.
Molecular consequence: missense variant. On other transcripts: 3 prime UTR variant (1).
Genome position (GRCh38, 1-based): chr17:44,075,963, C>A. VCF-style: chr17-44075963-C-A. GRCh37 (hg19) VCF-style: chr17-42153331-C-A.
Other names: c.*254C>A (NM_001319945.2); c.616C>A, p.Pro206Thr (NM_001384165.1, NM_001384166.1, NM_001384167.1 and 1 more transcripts); short protein forms P321T, P206T.
Identifiers: ClinVar variation 4027557 (VCV004027557.1).